The following is an entry in ClinVar:

NM_198271.5(LMOD3):c.110C>G (p.Ser37Trp)

Genes: LMOD3 (leiomodin 3; minus strand), LOC126806710 (CDK7 strongly-dependent group 2 enhancer GRCh37_chr3:69170601-69171800; plus strand). Cytogenetic location: 3p14.1.
Variant type: single nucleotide variant.
Coding change: c.110C>G on transcript NM_198271.5 (MANE Select); coding-DNA position 110, C replaced by G.
Protein change: p.Ser37Trp; replaces serine 37 with tryptophan.
Molecular consequence: missense variant.
Genome position (GRCh38, 1-based): chr3:69,122,277, G>C on the plus strand (C>G on the coding strand, the complement: LMOD3 is on the minus strand). VCF-style: chr3-69122277-G-C. GRCh37 (hg19) VCF-style: chr3-69171428-G-C.
Other names: c.110C>G, p.Ser37Trp (NM_001304418.3); short protein forms S37W.
Identifiers: ClinVar variation 1043774 (VCV001043774.5), dbSNP rs572092252, ClinGen allele CA353479547.
Genomic context (GRCh38, chr3:69,122,277, plus strand): 5'-TGATCTTTCTGAATCATTCCCACGGGAAGGCTGGGGTCAGGGGCCATGACTTCCATTTCC[G>C]ACTGCAGTTCTTTCAGTTCTTCAGCAGACAAGTTGGCCAAGATTTCATCTTCATTAATCT-3'
Protein context (NP_938012.2, residues 27-47): LSAEELKELQ[Ser37Trp]EMEVMAPDPS

ClinVar aggregate classification (germline): Uncertain significance (1 of 4 stars; one submission).

Conditions:
Nemaline myopathy 10 (NEM10). Identifiers: MedGen C4015360, MONDO:0014513, OMIM 616165.

Allele frequency attached by ClinVar (database versions not stated): TOPMed 0.00001; gnomAD 0.00002.
gnomAD v4.1: 26 of 1,613,316 alleles (0.0016%); highest among the groups gnomAD compares: Non-Finnish European, 0.002%; no homozygotes.

Submission:

Labcorp Genetics (formerly Invitae), Labcorp
Classification: Uncertain significance for Nemaline myopathy 10. Last evaluated: 2022-09-19. Review status: criteria provided, single submitter. Criteria: Invitae Variant Classification Sherloc (09022015). Collection method: clinical testing. Allele origin: germline.
Comment: This sequence change replaces serine, which is neutral and polar, with tryptophan, which is neutral and slightly polar, at codon 37 of the LMOD3 protein (p.Ser37Trp). This variant is present in population databases (no rsID available, gnomAD 0.004%). This variant has not been reported in the literature in individuals affected with LMOD3-related conditions. ClinVar contains an entry for this variant (Variation ID: 1043774). Algorithms developed to predict the effect of missense changes on protein structure and function are either unavailable or do not agree on the potential impact of this missense change (SIFT: "Deleterious"; PolyPhen-2: "Probably Damaging"; Align-GVGD: "Class C0"). In summary, the available evidence is currently insufficient to determine the role of this variant in disease. Therefore, it has been classified as a Variant of Uncertain Significance.